The following is an entry in ClinVar:

NM_004970.3(IGFALS):c.1566G>A (p.Thr522=)

Gene: IGFALS (insulin like growth factor binding protein acid labile subunit; minus strand). Cytogenetic location: 16p13.3.
Variant type: single nucleotide variant.
Coding change: c.1566G>A on transcript NM_004970.3 (MANE Select); coding-DNA position 1566, G replaced by A.
Protein change: p.Thr522=; no amino-acid change (threonine 522 retained).
Molecular consequence: synonymous variant. On other transcripts: non-coding transcript variant (1).
Genome position (GRCh38, 1-based): chr16:1,790,852, C>T on the plus strand (G>A on the coding strand, the complement: IGFALS is on the minus strand). VCF-style: chr16-1790852-C-T. GRCh37 (hg19) VCF-style: chr16-1840853-C-T.
Other names: c.1680G>A, p.Thr560= (NM_001146006.2).
Identifiers: ClinVar variation 318236 (VCV000318236.7), dbSNP rs2230053, ClinGen allele CA7820274.

ClinVar aggregate classification (germline): Benign. Review status: criteria provided, multiple submitters, no conflicts (2 of 4 stars). 3 submissions from 3 submitters: Benign (3). Last evaluated 2026-05-11.

Conditions:
Short stature due to primary acid-labile subunit deficiency. Also called: Acid-labile subunit deficiency; Acid-labile subunit, deficiency of. Identifiers: Orphanet 140941, MedGen C3900122, MONDO:0014420, OMIM 615961.

Allele frequency attached by ClinVar (database versions not stated): gnomAD exomes 0.01841; ExAC 0.02678; 1000 Genomes Project 0.03155; gnomAD 0.01085 and 0.00932; TOPMed 0.01184; 1000 Genomes Project 30x 0.02811; ESP Exome Variant Server 0.00624.
gnomAD v4.1: 13,807 of 1,565,800 alleles (0.88%); highest among the groups gnomAD compares: East Asian, 10%; 437 homozygotes.

Submissions (3):

Women's Health and Genetics/Laboratory Corporation of America, LabCorp
Classification: Benign. Last evaluated: 2026-05-11. Review status: criteria provided, single submitter. Criteria: LabCorp Variant Classification Summary - May 2015. Collection method: clinical testing. Allele origin: germline.

Illumina Laboratory Services, Illumina
Classification: Benign for Short stature due to primary acid-labile subunit deficiency. Last evaluated: 2018-01-12. Review status: criteria provided, single submitter. Criteria: ICSL Variant Classification Criteria 13 December 2019. Collection method: clinical testing. Allele origin: germline.
Comment: This variant was observed in the ICSL laboratory as part of a predisposition screen in an ostensibly healthy population. It had not been previously curated by ICSL or reported in the Human Gene Mutation Database (HGMD: prior to June 1st, 2018), and was therefore a candidate for classification through an automated scoring system. Utilizing variant allele frequency, disease prevalence and penetrance estimates, and inheritance mode, an automated score was calculated to assess if this variant is too frequent to cause the disease. Based on the score and internal cut-off values, a variant classified as benign is not then subjected to further curation. The score for this variant resulted in a classification of benign for this disease.

Breakthrough Genomics
Classification: Benign. Review status: criteria provided, single submitter. Criteria: ACMG Guidelines, 2015. Collection method: not provided. Allele origin: germline. Inheritance: Autosomal recessive inheritance. Affected: yes.